The following is an entry in ClinVar:

ClinVar aggregate classification (germline): Pathogenic (1 of 4 stars; one submission).

Conditions:
Primary ciliary dyskinesia 3. Identifiers: Orphanet 244, MedGen C1837618, MONDO:0012085, OMIM 608644.

Submission:

Myriad Genetics, Inc.
Classification: Pathogenic for Primary ciliary dyskinesia 3. Last evaluated: 2024-05-14. Review status: criteria provided, single submitter. Criteria: Myriad Autosomal Dominant, Autosomal Recessive and X-Linked Classification Criteria (2023). Collection method: clinical testing. Allele origin: unknown.
Comment: NM_001369.2(DNAH5):c.10025_10026ins13(E3342Dfs*39) is expected to be pathogenic in the context of primary ciliary dyskinesia, DNAH5-related. This variant is predicted to lead to an abnormal or absent protein product due to the creation of a premature termination codon in DNAH5, a gene where loss-of-function variants are known to be pathogenic. Please note: this variant was assessed in the context of healthy population screening.

NM_001369.3(DNAH5):c.10025_10026insCTGTCTCTTATAC (p.Glu3342fs)

Gene: DNAH5 (dynein axonemal heavy chain 5; minus strand). Cytogenetic location: 5p15.2.
Variant type: Insertion.
Coding change: c.10025_10026insCTGTCTCTTATAC on transcript NM_001369.3 (MANE Select); coding-DNA positions 10025 to 10026, CTGTCTCTTATAC inserted.
Protein change: p.Glu3342fs; shifts the reading frame from glutamic acid 3342.
Molecular consequence: frameshift variant.
Genome position: GRCh38 VCF-style: chr5-13766051-T-TGTATAAGAGACAG. GRCh37 (hg19) VCF-style: chr5-13766160-T-TGTATAAGAGACAG.
Other names: short protein forms E3342fs.
Identifiers: ClinVar variation 5010930 (VCV005010930.1).